The following is an entry in ClinVar:

NM_198253.3(TERT):c.2327T>C (p.Phe776Ser)

Gene: TERT (telomerase reverse transcriptase; minus strand). Cytogenetic location: 5p15.33.
Variant type: single nucleotide variant.
Coding change: c.2327T>C on transcript NM_198253.3 (MANE Select); coding-DNA position 2327, T replaced by C.
Protein change: p.Phe776Ser; replaces phenylalanine 776 with serine.
Molecular consequence: missense variant.
Genome position (GRCh38, 1-based): chr5:1,272,240, A>G on the plus strand (T>C on the coding strand, the complement: TERT is on the minus strand). VCF-style: chr5-1272240-A-G. GRCh37 (hg19) VCF-style: chr5-1272355-A-G.
Other names: c.2327T>C, p.Phe776Ser (NM_001193376.3); short protein forms F776S.
Identifiers: ClinVar variation 4992199 (VCV004992199.1).

ClinVar aggregate classification (germline): Uncertain significance (1 of 4 stars; one submission).

Conditions:
TERT-related disorder. Also called: TERT-related condition; TERT-related disorders.

Submission:

PreventionGenetics, part of Exact Sciences
Classification: Uncertain significance for TERT-related condition. Last evaluated: 2026-06-04. Review status: criteria provided, single submitter. Criteria: ACMG Guidelines, 2015. Collection method: clinical testing. Allele origin: germline.
Comment: The TERT c.2327T>C variant is predicted to result in the amino acid substitution p.Phe776Ser. To our knowledge, this variant has not been reported in the literature or in a large population database (gnomAD), indicating this variant is rare. At this time, the clinical significance of this variant is uncertain due to the absence of conclusive functional and genetic evidence.